The following is an entry in ClinVar:

ClinVar aggregate classification (germline): Uncertain significance (1 of 4 stars; one submission).

Conditions:
Cowden syndrome (CS). Also called: Cowden's disease; Cowden's syndrome; Cowden disease. Identifiers: Orphanet 201, MedGen C0018553, MONDO:0016063. Disease mechanism: gain of function.

Submission:

Labcorp Genetics (formerly Invitae), Labcorp
Classification: Uncertain significance for Cowden syndrome. Last evaluated: 2021-03-22. Review status: criteria provided, single submitter. Criteria: Invitae Variant Classification Sherloc (09022015). Collection method: clinical testing. Allele origin: germline.
Comment: This variant results in a copy number gain of the genomic region encompassing exons 5-21 of the PIK3CA gene. The 5' boundary is likely confined to intron 4. The 3' end of this event is unknown as it extends beyond the assayed region for this gene and therefore may encompass additional genes. As the precise location of this event is unknown, it may be in tandem or it may be located elsewhere in the genome. This variant has not been reported in the literature in individuals with PIK3CA-related conditions. Experimental studies and prediction algorithms are not available or were not evaluated for this variant, and the functional significance of this variant is currently unknown. In summary, the available evidence is currently insufficient to determine the role of this variant in disease. Therefore, it has been classified as a Variant of Uncertain Significance.

NC_000003.12:g.(?_179203534)_(179234364_?)dup

Gene: PIK3CA (phosphatidylinositol-4,5-bisphosphate 3-kinase catalytic subunit alpha; plus strand). Cytogenetic location: 3q26.32.
Variant type: Duplication.
Identifiers: ClinVar variation 833038 (VCV000833038.7).